The following is an entry in ClinVar:

ClinVar aggregate classification (germline): Uncertain significance (1 of 4 stars; one submission).

Conditions:
Intellectual developmental disorder, X-linked 99. Also called: Intellectual disability, X-linked 99. Identifiers: Orphanet 777, MedGen C3806746, MONDO:0010487, OMIM 300919.

Submission:

3billion
Classification: Uncertain significance for Intellectual developmental disorder, X-linked 99. Last evaluated: 2025-10-03. Review status: criteria provided, single submitter. Criteria: ACMG Guidelines, 2015. Collection method: clinical testing. Allele origin: germline. Affected: yes.
Comment: The variant is not observed in the gnomAD v4.0.0 dataset. Predicted Consequence/Location: Intron variant In silico tools predict the variant to alter splicing and produce an abnormal transcript [SpliceAI: 0.79 (>=0.2, moderate evidence for spliceogenicity)]. Therefore, this variant is classified as VUS according to the recommendation of ACMG/AMP guideline.

NM_001039591.3(USP9X):c.7061+20C>G

Gene: USP9X (ubiquitin specific peptidase 9 X-linked; plus strand). Cytogenetic location: Xp11.4.
Variant type: single nucleotide variant.
Coding change: c.7061+20C>G on transcript NM_001039591.3 (MANE Select); 20 bases into the intron after coding-DNA position 7061, C replaced by G.
Molecular consequence: intron variant.
Genome position (GRCh38, 1-based): chrX:41,225,157, C>G. VCF-style: chrX-41225157-C-G. GRCh37 (hg19) VCF-style: chrX-41084410-C-G.
Other names: c.7076+20C>G (NM_001410748.1, NM_001410749.1, NM_001437534.1); c.7061+20C>G (NM_001039590.3).
Identifiers: ClinVar variation 4855939 (VCV004855939.1).